The following is an entry in ClinVar:

ClinVar aggregate classification (germline): Uncertain significance (1 of 4 stars; one submission).

Allele frequency attached by ClinVar (database versions not stated): gnomAD exomes below 0.00001.
gnomAD v4.1: 4 of 1,607,442 alleles (0.00025%); highest among the groups gnomAD compares: South Asian, 0.0044%; no homozygotes.

Submission:

Labcorp Genetics (formerly Invitae), Labcorp
Classification: Uncertain significance. Last evaluated: 2023-12-11. Review status: criteria provided, single submitter. Criteria: Invitae Variant Classification Sherloc (09022015). Collection method: clinical testing. Allele origin: germline.
Comment: This sequence change replaces glycine, which is neutral and non-polar, with arginine, which is basic and polar, at codon 70 of the PACS2 protein (p.Gly70Arg). This variant is present in population databases (no rsID available, gnomAD 0.003%). This variant has not been reported in the literature in individuals affected with PACS2-related conditions. ClinVar contains an entry for this variant (Variation ID: 1425716). An algorithm developed to predict the effect of missense changes on protein structure and function (PolyPhen-2) suggests that this variant is likely to be disruptive. Algorithms developed to predict the effect of sequence changes on RNA splicing suggest that this variant may disrupt the consensus splice site. In summary, the available evidence is currently insufficient to determine the role of this variant in disease. Therefore, it has been classified as a Variant of Uncertain Significance.

NM_001100913.3(PACS2):c.208G>C (p.Gly70Arg)

Gene: PACS2 (phosphofurin acidic cluster sorting protein 2; plus strand). Cytogenetic location: 14q32.33.
Variant type: single nucleotide variant.
Coding change: c.208G>C on transcript NM_001100913.3 (MANE Select); coding-DNA position 208, G replaced by C.
Protein change: p.Gly70Arg; replaces glycine 70 with arginine.
Molecular consequence: missense variant.
Genome position (GRCh38, 1-based): chr14:105,352,378, G>C. VCF-style: chr14-105352378-G-C. GRCh37 (hg19) VCF-style: chr14-105818715-G-C.
Other names: c.7G>C, p.Gly3Arg (NM_001243127.3); c.208G>C, p.Gly70Arg (NM_015197.4); short protein forms G70R, G3R.
Identifiers: ClinVar variation 1425716 (VCV001425716.8), dbSNP rs1555404167, ClinGen allele CA391199454.
Genomic context (GRCh38, chr14:105,352,378, plus strand): 5'-TGCCTGGTTTCCTGCTGATATGCAGTCCTTTGAGCTAGAACAGGTCTTGCTTAATCACAG[G>C]GCTCCAAACGAATCCTGCGGTCCCATGAGATTGTGCTGCCCCCCAGTGGACAAGTGGAGA-3'
Protein context (NP_001094383.2, residues 60-80): ISVVIAVKMQ[Gly70Arg]SKRILRSHEI